The following is an entry in ClinVar:

NM_000883.4(IMPDH1):c.1060G>A (p.Asp354Asn)

Gene: IMPDH1 (inosine monophosphate dehydrogenase 1; minus strand). Cytogenetic location: 7q32.1.
Variant type: single nucleotide variant.
Coding change: c.1060G>A on transcript NM_000883.4 (MANE Select); coding-DNA position 1060, G replaced by A.
Protein change: p.Asp354Asn; replaces aspartic acid 354 with asparagine.
Molecular consequence: missense variant.
Genome position (GRCh38, 1-based): chr7:128,398,428, C>T on the plus strand (G>A on the coding strand, the complement: IMPDH1 is on the minus strand). VCF-style: chr7-128398428-C-T. GRCh37 (hg19) VCF-style: chr7-128038482-C-T.
Other names: c.1030G>A, p.Asp344Asn (NM_001102605.2); c.805G>A, p.Asp269Asn (NM_001142573.2); c.790G>A, p.Asp264Asn (NM_001142574.2); c.730G>A, p.Asp244Asn (NM_001142575.2); c.961G>A, p.Asp321Asn (NM_001142576.2); c.853G>A, p.Asp285Asn (NM_001304521.2); c.952G>A, p.Asp318Asn (NM_183243.3); short protein forms D285N, D321N, D344N, D354N, D244N, D264N, D269N, D318N.
Identifiers: ClinVar variation 1047682 (VCV001047682.7), dbSNP rs139858944, ClinGen allele CA4470971.

ClinVar aggregate classification (germline): Uncertain significance. Review status: criteria provided, multiple submitters, no conflicts (2 of 4 stars). 2 submissions from 2 submitters: Uncertain significance (2). Last evaluated 2025-03-17.

Allele frequency attached by ClinVar (database versions not stated): gnomAD exomes 0.00002 and 0.00004; ExAC 0.00003; TOPMed 0.00003; gnomAD 0.00004; ESP Exome Variant Server 0.00015.

Submissions (2):

Labcorp Genetics (formerly Invitae), Labcorp
Classification: Uncertain significance. Last evaluated: 2025-03-17. Review status: criteria provided, single submitter. Criteria: Invitae Variant Classification Sherloc (09022015). Collection method: clinical testing. Allele origin: germline.
Comment: This sequence change replaces aspartic acid, which is acidic and polar, with asparagine, which is neutral and polar, at codon 354 of the IMPDH1 protein (p.Asp354Asn). This variant is present in population databases (rs139858944, gnomAD 0.004%). This variant has not been reported in the literature in individuals affected with IMPDH1-related conditions. ClinVar contains an entry for this variant (Variation ID: 1047682). An algorithm developed to predict the effect of missense changes on protein structure and function (PolyPhen-2) suggests that this variant is likely to be disruptive. In summary, the available evidence is currently insufficient to determine the role of this variant in disease. Therefore, it has been classified as a Variant of Uncertain Significance.

Blueprint Genetics
Classification: Uncertain significance. Last evaluated: 2024-03-22. Review status: criteria provided, single submitter. Criteria: ACMG Guidelines, 2015. Collection method: clinical testing. Allele origin: germline.